The following is an entry in ClinVar:

NM_001372106.1(DNAH10):c.10968C>T (p.Ser3656=)

Gene: DNAH10 (dynein axonemal heavy chain 10; plus strand). Cytogenetic location: 12q24.31.
Variant type: single nucleotide variant.
Coding change: c.10968C>T on transcript NM_001372106.1 (MANE Select); coding-DNA position 10968, C replaced by T.
Protein change: p.Ser3656=; no amino-acid change (serine 3656 retained).
Molecular consequence: synonymous variant.
Genome position (GRCh38, 1-based): chr12:123,916,702, C>T. VCF-style: chr12-123916702-C-T. GRCh37 (hg19) VCF-style: chr12-124401249-C-T.
Other names: c.10614C>T, p.Ser3538= (NM_001083900.1, NM_207437.3).
Identifiers: ClinVar variation 3058738 (VCV003058738.2), dbSNP rs371305921, ClinGen allele CA6865540.

ClinVar aggregate classification (germline): Likely benign (0 of 4 stars; one submission).

Conditions:
DNAH10-related disorder. Also called: DNAH10-related condition.

Allele frequency attached by ClinVar (database versions not stated): gnomAD exomes 0.00001; ExAC 0.00005; gnomAD 0.00007; ESP Exome Variant Server 0.00008; TOPMed 0.00014.

Submission:

PreventionGenetics, part of Exact Sciences
Classification: Likely benign for DNAH10-related condition. Last evaluated: 2019-04-01. Review status: no assertion criteria provided. Collection method: clinical testing. Allele origin: germline.
Comment: This variant is classified as likely benign based on ACMG/AMP sequence variant interpretation guidelines (Richards et al. 2015 PMID: 25741868, with internal and published modifications).